The following is an entry in ClinVar:

NM_004168.4(SDHA):c.456+12G>C

Gene: SDHA (succinate dehydrogenase complex flavoprotein subunit A; plus strand). Cytogenetic location: 5p15.33.
Variant type: single nucleotide variant.
Coding change: c.456+12G>C on transcript NM_004168.4 (MANE Select); 12 bases into the intron after coding-DNA position 456, G replaced by C.
Molecular consequence: intron variant.
Genome position (GRCh38, 1-based): chr5:225,574, G>C. VCF-style: chr5-225574-G-C. GRCh37 (hg19) VCF-style: chr5-225689-G-C.
Other names: c.456+12G>C (NM_001330758.2); c.313-309G>C (NM_001294332.2).
Identifiers: ClinVar variation 2183336 (VCV002183336.2), dbSNP rs2477296193, ClinGen allele CA2580073100.
Genomic context (GRCh38, chr5:225,574, plus strand): 5'-GGATGCCATCCACTACATGACGGAGCAGGCCCCCGCCGCCGTGGTCGAGGTGATGGGCGG[G>C]AGGCTCTGGGTGTTCTCGTGGTCTGTTTCTAGTACAAAAGAATCCTGGAAAAAAATGTAA-3'

ClinVar aggregate classification (germline): Uncertain significance (1 of 4 stars; one submission).

Conditions:
Mitochondrial complex II deficiency, nuclear type 1. Also called: SUCCINATE CoQ REDUCTASE DEFICIENCY. Identifiers: Orphanet 3208, MedGen C5700310, MONDO:0100294, OMIM 252011.
Pheochromocytoma/paraganglioma syndrome 5. Also called: Paragangliomas 5; SDHA-Related Hereditary Paraganglioma-Pheochromocytoma Syndrome. Identifiers: Orphanet 29072, MedGen C3279992, MONDO:0013602, OMIM 614165.

Submission:

Labcorp Genetics (formerly Invitae), Labcorp
Classification: Uncertain significance for Pheochromocytoma/paraganglioma syndrome 5; Mitochondrial complex II deficiency, nuclear type 1. Last evaluated: 2023-08-02. Review status: criteria provided, single submitter. Criteria: Invitae Variant Classification Sherloc (09022015). Collection method: clinical testing. Allele origin: germline.
Comment: In summary, the available evidence is currently insufficient to determine the role of this variant in disease. Therefore, it has been classified as a Variant of Uncertain Significance. Algorithms developed to predict the effect of sequence changes on RNA splicing suggest that this variant may create or strengthen a splice site. ClinVar contains an entry for this variant (Variation ID: 2183336). This variant has not been reported in the literature in individuals affected with SDHA-related conditions. This variant is not present in population databases (gnomAD no frequency). This sequence change falls in intron 4 of the SDHA gene. It does not directly change the encoded amino acid sequence of the SDHA protein.